The following is an entry in ClinVar:

NM_000525.4(KCNJ11):c.762G>A (p.Pro254=)

Gene: KCNJ11 (potassium inwardly rectifying channel subfamily J member 11; minus strand). Cytogenetic location: 11p15.1.
Variant type: single nucleotide variant.
Coding change: c.762G>A on transcript NM_000525.4 (MANE Select); coding-DNA position 762, G replaced by A.
Protein change: p.Pro254=; no amino-acid change (proline 254 retained).
Molecular consequence: synonymous variant.
Genome position (GRCh38, 1-based): chr11:17,387,330, C>T on the plus strand (G>A on the coding strand, the complement: KCNJ11 is on the minus strand). VCF-style: chr11-17387330-C-T. GRCh37 (hg19) VCF-style: chr11-17408877-C-T.
Other names: c.501G>A, p.Pro167= (NM_001166290.2, NM_001377296.1, NM_001377297.1).
Identifiers: ClinVar variation 763632 (VCV000763632.11), dbSNP rs761931092, ClinGen allele CA5902251.
Genomic context (GRCh38, chr11:17,387,330, plus strand): 5'-GTCGCTGGGTGCCAGGTCGTAGAGTGGGCTGTTGGCATCAATGACATGGTAGATGATCAG[C>T]GGGGCCACCAGGAAGATGCTGTTGCCACCCACGCCGTTCTCCATGGGGATGTCCACCTGG-3'
Protein context (NP_000516.3, residues 244-264): VGGNSIFLVA[Pro254=]LIIYHVIDAN

ClinVar aggregate classification (germline): Conflicting classifications of pathogenicity. Review status: criteria provided, conflicting classifications (1 of 4 stars). 2 submissions from 2 submitters: Uncertain significance (1); Likely benign (1). Last evaluated 2024-03-11.

Conditions:
Maturity-onset diabetes of the young (MODY). Also called: Maturity onset diabetes mellitus in young. Identifiers: Orphanet 552, MedGen C0342276, MONDO:0018911, HP:0004904.

Allele frequency attached by ClinVar (database versions not stated): gnomAD 0.00002; gnomAD exomes 0.00002 and 0.00005; TOPMed 0.00003; ExAC 0.00009.
gnomAD v4.1: 35 of 1,613,964 alleles (0.0022%); highest among the groups gnomAD compares: East Asian, 0.0067%; no homozygotes.

Submissions (2):

Labcorp Genetics (formerly Invitae), Labcorp
Classification: Likely benign. Last evaluated: 2024-03-11. Review status: criteria provided, single submitter. Criteria: Invitae Variant Classification Sherloc (09022015). Collection method: clinical testing. Allele origin: germline.

Clinical Genomics, Uppaluri K&H Personalized Medicine Clinic
Classification: Uncertain significance for Maturity-onset diabetes of the young. Review status: criteria provided, single submitter. Criteria: K & H Uppaluri Personalized Medicine Clinic Variant Classification & Assertion Criteria_Updated V.1. Collection method: research. Allele origin: somatic. Inheritance: Autosomal dominant inheritance.
Comment: Mutations in KCNJ11 gene can cause decreased production and secretion of insulin. This can lead to MODY which may be responsive to oral sulfonylureas. It is also associated with Neonatal Diabetes. However, no sufficient evidence is found to ascertain the role of this particular variant (rs761931092) in MODY yet.

Literature cited by the submitters: PubMed 26448950 (cited by Clinical Genomics, Uppaluri K&H Personalized Medicine Clinic); PubMed 15580558 (cited by Clinical Genomics, Uppaluri K&H Personalized Medicine Clinic); PubMed 15718250 (cited by Clinical Genomics, Uppaluri K&H Personalized Medicine Clinic); PubMed 32935446 (cited by Clinical Genomics, Uppaluri K&H Personalized Medicine Clinic); PubMed 22701567 (cited by Clinical Genomics, Uppaluri K&H Personalized Medicine Clinic).